The following is an entry in ClinVar:

ClinVar aggregate classification (germline): Uncertain significance (1 of 4 stars; one submission).

Conditions:
Mucopolysaccharidosis, MPS-III-D (MPS3D). Also called: N-ACETYLGLUCOSAMINE-6-SULFATASE DEFICIENCY; SANFILIPPO SYNDROME D; MPS IIID (Sanfilippo Syndrome Type D); MUCOPOLYSACCHARIDOSIS, TYPE IIID; MPS III D; Mucopoly-saccharidosis type 3D. Identifiers: Orphanet 581, Orphanet 79272, MedGen C0086650, MONDO:0009658, OMIM 252940.

Submission:

Labcorp Genetics (formerly Invitae), Labcorp
Classification: Uncertain significance for Mucopolysaccharidosis, MPS-III-D. Last evaluated: 2019-09-15. Review status: criteria provided, single submitter. Criteria: Invitae Variant Classification Sherloc (09022015). Collection method: clinical testing. Allele origin: germline.
Comment: This variant is an in-frame deletion of the genomic region encompassing exon 3 of the GNS gene. It preserves the integrity of the reading frame. This variant has not been reported in the literature in individuals with GNS-related conditions. Experimental studies and prediction algorithms are not available or were not evaluated for this variant, and the functional significance of this variant is currently unknown. In summary, the available evidence is currently insufficient to determine the role of this variant in disease. Therefore, it has been classified as a Variant of Uncertain Significance.

NC_000012.12:g.(?_64747692)_(64747938_?)del

Gene: GNS (glucosamine (N-acetyl)-6-sulfatase; minus strand). Cytogenetic location: 12q14.3.
Variant type: Deletion.
Identifiers: ClinVar variation 831466 (VCV000831466.1).